The following is an entry in ClinVar:

NM_001379270.1(CNGA1):c.895C>A (p.Leu299Ile)

Genes: CNGA1 (cyclic nucleotide gated channel subunit alpha 1; minus strand), LOC101927157 (uncharacterized LOC101927157; plus strand). Cytogenetic location: 4p12.
Variant type: single nucleotide variant.
Coding change: c.895C>A on transcript NM_001379270.1 (MANE Select); coding-DNA position 895, C replaced by A.
Protein change: p.Leu299Ile; replaces leucine 299 with isoleucine.
Molecular consequence: missense variant.
Genome position (GRCh38, 1-based): chr4:47,937,587, G>T on the plus strand (C>A on the coding strand, the complement: CNGA1 is on the minus strand). VCF-style: chr4-47937587-G-T. GRCh37 (hg19) VCF-style: chr4-47939604-G-T.
Other names: c.895C>A, p.Leu299Ile (NM_000087.5, NM_001142564.2); short protein forms L299I.
Identifiers: ClinVar variation 2081977 (VCV002081977.4), dbSNP rs1738752047, ClinGen allele CA356827953.

ClinVar aggregate classification (germline): Uncertain significance (1 of 4 stars; one submission).

Submission:

Labcorp Genetics (formerly Invitae), Labcorp
Classification: Uncertain significance. Last evaluated: 2022-11-29. Review status: criteria provided, single submitter. Criteria: Invitae Variant Classification Sherloc (09022015). Collection method: clinical testing. Allele origin: germline.
Comment: In summary, the available evidence is currently insufficient to determine the role of this variant in disease. Therefore, it has been classified as a Variant of Uncertain Significance. Algorithms developed to predict the effect of missense changes on protein structure and function are either unavailable or do not agree on the potential impact of this missense change (SIFT: "Tolerated"; PolyPhen-2: "Probably Damaging"; Align-GVGD: "Class C0"). This variant has not been reported in the literature in individuals affected with CNGA1-related conditions. This variant is not present in population databases (gnomAD no frequency). This sequence change replaces leucine, which is neutral and non-polar, with isoleucine, which is neutral and non-polar, at codon 303 of the CNGA1 protein (p.Leu303Ile).